The following is an entry in ClinVar:

NM_002691.4(POLD1):c.2669C>G (p.Ala890Gly)

Gene: POLD1 (DNA polymerase delta 1, catalytic subunit; plus strand). Cytogenetic location: 19q13.33.
Variant type: single nucleotide variant.
Coding change: c.2669C>G on transcript NM_002691.4 (MANE Select); coding-DNA position 2669, C replaced by G.
Protein change: p.Ala890Gly; replaces alanine 890 with glycine.
Molecular consequence: missense variant. On other transcripts: non-coding transcript variant (1).
Genome position (GRCh38, 1-based): chr19:50,415,542, C>G. VCF-style: chr19-50415542-C-G. GRCh37 (hg19) VCF-style: chr19-50918799-C-G.
Other names: c.2669C>G, p.Ala890Gly (NM_001256849.1); c.2747C>G, p.Ala916Gly (NM_001308632.1); short protein forms A890G, A916G.
Identifiers: ClinVar variation 3903318 (VCV003903318.1).

ClinVar aggregate classification (germline): Uncertain significance (1 of 4 stars; one submission).

gnomAD v4.1: 2 of 1,612,930 alleles (0.00012%); highest among the groups gnomAD compares: Non-Finnish European, 0.00017%; no homozygotes.

Submission:

GeneDx
Classification: Uncertain significance. Last evaluated: 2024-12-15. Review status: criteria provided, single submitter. Criteria: GeneDx Variant Classification Process June 2021. Collection method: clinical testing. Allele origin: germline. Affected: yes.
Comment: Not observed at significant frequency in large population cohorts (gnomAD); In silico analysis indicates that this missense variant does not alter protein structure/function; Has not been previously published as pathogenic or benign to our knowledge